The following is an entry in ClinVar:

NM_001033855.3(DCLRE1C):c.2041G>C (p.Ala681Pro)

Gene: DCLRE1C (DNA cross-link repair 1C; minus strand). Cytogenetic location: 10p13.
Variant type: single nucleotide variant.
Coding change: c.2041G>C on transcript NM_001033855.3 (MANE Select); coding-DNA position 2041, G replaced by C.
Protein change: p.Ala681Pro; replaces alanine 681 with proline.
Molecular consequence: missense variant. On other transcripts: non-coding transcript variant (3), intron variant (3).
Genome position (GRCh38, 1-based): chr10:14,908,446, C>G on the plus strand (G>C on the coding strand, the complement: DCLRE1C is on the minus strand). VCF-style: chr10-14908446-C-G. GRCh37 (hg19) VCF-style: chr10-14950445-C-G.
Other names: c.2041G>C (NM_001033855.1); c.1696G>C, p.Ala566Pro (NM_022487.4, NM_001289076.2, NM_001289078.2); c.1437+259G>C (NM_001350966.2); c.1782+259G>C (NM_001350965.2); c.1422+259G>C (NM_001350967.2); c.1681G>C, p.Ala561Pro (NM_001033857.3, NM_001033858.3, NM_001289077.2 and 1 more transcripts); short protein forms A566P, A681P, A561P.
Identifiers: ClinVar variation 1369010 (VCV001369010.6), dbSNP rs151259511, ClinGen allele CA5416343.

ClinVar aggregate classification (germline): Uncertain significance. Review status: criteria provided, multiple submitters, no conflicts (2 of 4 stars). 2 submissions from 2 submitters: Uncertain significance (2). Last evaluated 2023-09-23.

Conditions:
Inborn genetic diseases. Identifiers: MedGen C0950123, MeSH D030342.
Severe combined immunodeficiency due to DCLRE1C deficiency (RS-SCID). Also called: SCID, AUTOSOMAL RECESSIVE, T CELL-NEGATIVE, B CELL-NEGATIVE, NK CELL-POSITIVE, WITH SENSITIVITY TO IONIZING RADIATION. Identifiers: Orphanet 275, MedGen C1865371, MONDO:0011225, OMIM 602450.

Allele frequency attached by ClinVar (database versions not stated): gnomAD exomes 0.00001; TOPMed below 0.00001; ESP Exome Variant Server 0.00015; ExAC 0.00002.
gnomAD v4.1: 8 of 1,613,892 alleles (0.0005%); highest among the groups gnomAD compares: Non-Finnish European, 0.00068%; no homozygotes.

Submissions (2):

Ambry Genetics
Classification: Uncertain significance for Inborn genetic diseases. Last evaluated: 2023-09-23. Review status: criteria provided, single submitter. Criteria: Ambry Variant Classification Scheme 2023. Collection method: clinical testing. Allele origin: germline.

Labcorp Genetics (formerly Invitae), Labcorp
Classification: Uncertain significance for Athabaskan severe combined immunodeficiency. Last evaluated: 2022-06-20. Review status: criteria provided, single submitter. Criteria: Invitae Variant Classification Sherloc (09022015). Collection method: clinical testing. Allele origin: germline.
Comment: This sequence change replaces alanine, which is neutral and non-polar, with proline, which is neutral and non-polar, at codon 681 of the DCLRE1C protein (p.Ala681Pro). This variant is present in population databases (rs151259511, gnomAD 0.002%). This variant has not been reported in the literature in individuals affected with DCLRE1C-related conditions. Algorithms developed to predict the effect of missense changes on protein structure and function (SIFT, PolyPhen-2, Align-GVGD) all suggest that this variant is likely to be tolerated. In summary, the available evidence is currently insufficient to determine the role of this variant in disease. Therefore, it has been classified as a Variant of Uncertain Significance.